The following continues an entry in ClinVar:

NM_000059.4(BRCA2):c.5576_5579del (p.Ile1859fs)

Gene: BRCA2. ClinVar aggregate classification (germline): Pathogenic. Pathogenic (1).

Submissions 9 to 19 of 47:

Color Diagnostics, LLC DBA Color Health
Classification: Pathogenic for Hereditary cancer-predisposing syndrome. Last evaluated: 2025-03-31. Review status: criteria provided, single submitter. Criteria: ACMG Guidelines, 2015. Collection method: clinical testing. Allele origin: germline. Not counted in ClinVar's aggregate classification.
Comment: This variant deletes 4 nucleotides in exon 11 of the BRCA2 gene, creating a frameshift and premature translation stop signal. This variant is also known as 5802delTTAA, 5803delATTA, 5804_5808delTTAA, 5804del4 and c.5574_5577delAATT in the literature. This variant is expected to result in unstable variant messenger RNA, which is corroborated by an RNA analysis of allelic imbalance in expressed BRCA2 mRNA transcripts in a heterozygous variant carrier (PMID: 19471317). This variant has been reported in over 30 individuals affected with breast and ovarian cancer (PMID: 8705994, 11149425, 17262179, 20104584, 21233401, 22160602, 22713736, 22798144, 23479189, 23633455, 23683081, 24249303, 24578176, 24728189, 26848529). A Japanese breast cancer case-control study (PMID: 30287823) and a breast cancer case-control meta-analysis (PMID: 33471991; Leiden Open Variation Database DB-ID BRCA2_001464) have reported this variant in 27/7104 cases and 3/23731 unaffected controls and 16/60450 cases and 7/53454 unaffected controls, respectively. This variant also has been reported in a prostate cancer case-control study in 11/7636 prostate cancer cases and 2/12366 unaffected controls (PMID: 31214711). This variant has been identified in 4/244832 chromosomes in the general population by the Genome Aggregation Database (gnomAD). Loss of BRCA2 function is a known mechanism of disease. Based on the available evidence, this variant is classified as Pathogenic.

Laboratory of Genetics, Children's Clinical University Hospital Latvia
Classification: Pathogenic. Last evaluated: 2025-02-16. Review status: criteria provided, single submitter. Criteria: ACMG Guidelines, 2015. Collection method: clinical testing. Allele origin: germline. Affected: yes. Not counted in ClinVar's aggregate classification.

Cambridge Genomics Laboratory, East Genomic Laboratory Hub, NHS Genomic Medicine Service
Classification: Pathogenic for Inherited breast cancer and ovarian cancer. Last evaluated: 2025-02-11. Review status: criteria provided, single submitter. Criteria: ACGS Best Practice Guidelines for Variant Classification in Rare Disease 2020. Collection method: clinical testing. Allele origin: germline. Affected: yes. Not counted in ClinVar's aggregate classification.
Comment: PVS1,PS4_Very Strong,PM5_Strong

Ambry Genetics
Classification: Pathogenic for Hereditary cancer-predisposing syndrome. Last evaluated: 2025-01-23. Review status: criteria provided, single submitter. Criteria: Ambry Variant Classification Scheme 2023. Collection method: clinical testing. Allele origin: germline. Not counted in ClinVar's aggregate classification.
Comment: The c.5576_5579delTTAA pathogenic mutation, located in coding exon 10 of the BRCA2 gene, results from a deletion of 4 nucleotides at nucleotide positions 5576 to 5579, causing a translational frameshift with a predicted alternate stop codon (p.I1859Kfs*3). This mutation has been reported in numerous hereditary breast and ovarian cancer (HBOC) patients and families world-wide (Foster KA et al. Cancer Res. 1996 Aug;56:3622-5; Gonzalez-Angulo AM et al. Clin. Cancer Res. 2011 Mar;17:1082-9; Kim H et al. Breast Cancer Res. Treat. 2012 Aug;134:1315-26; Blay P et al. BMC Cancer. 2013 May;13:243; George J et al. Clin. Cancer Res. 2013 Jul;19:3474-84; Song H et al. Hum. Mol. Genet. 2014 Sep;23:4703-9; Kim YC et al. Oncotarget. 2016 Feb;7:9600-12; Susswein LR et al. Genet. Med. 2016 Aug;18:823-32; Maistro S et al. BMC Cancer. 2016 Dec;16:934; Zhao Q et al. J. Gynecol. Oncol. 2017 Jul;28:e39; Park JS et al. Cancer Res Treat, 2017 Oct;49:1012-1021; Sun J et al. Clin Cancer Res, 2017 Oct;23:6113-6119; Momozawa Y et al. Nat Commun, 2018 10;9:4083; Carter NJ et al. Gynecol Oncol, 2018 12;151:481-488; Liang Y et al. Med Sci Monit, 2018 Apr;24:2465-2475; Ryu JM et al. Breast Cancer Res Treat, 2019 Jan;173:385-395; Sunami K et al. Cancer Sci, 2019 Apr;110:1480-1490; Yoshida R et al. Oncotarget, 2019 May;10:3276-3284; Ueda M et al. Obstet Gynecol Int, 2019 May;2019:4365754; El Ansari FZ et al. BMC Cancer, 2020 Aug;20:747; Park CS et al. Asian J Surg, 2020 Oct;43:996-1001; Sirisena N et al. Breast Cancer Res, 2020 05;22:43; Shao D et al. Cancer Sci, 2020 Feb;111:647-657; Bang YJ et al. Cancer Res Treat, 2021 Oct). This mutation has also been identified in patients diagnosed with prostate and biliary tract cancer (Wardell CP et al. J Hepatol, 2018 05;68:959-969; Terashima T et al. Oncotarget, 2019 Oct;10:5949-5957; Momozawa Y et al. J Natl Cancer Inst, 2020 04;112:369-376; Power R et al. Fam Cancer, 2021 04;20:97-101). Of note, this alteration is also designated as c.5574_5577delAATT, 5803delATTA and 5804del4 in published literature. In addition to the clinical data presented in the literature, this alteration is expected to result in loss of function by premature protein truncation or nonsense-mediated mRNA decay. As such, this alteration is interpreted as a disease-causing mutation.

Revvity Omics, Revvity
Classification: Pathogenic. Last evaluated: 2025-01-07. Review status: criteria provided, single submitter. Criteria: ACMG Guidelines, 2015. Collection method: clinical testing. Allele origin: germline. Not counted in ClinVar's aggregate classification.

Molecular Diagnostics Laboratory, Catalan Institute of Oncology
Classification: Pathogenic for Hereditary cancer-predisposing syndrome. Last evaluated: 2024-12-10. Review status: criteria provided, single submitter. Criteria: ClinGen BRCA1BRCA2 ACMG Specifications BRCA2 V1.0.0. Collection method: clinical testing. Allele origin: germline. Not counted in ClinVar's aggregate classification.
Comment: PVS1, PM5_PTC_Strong c.5576_5579del, located in exon 11 of the BRCA2 gene, consists in the deletion of 4 nucleotides causing a premature protein truncation and nonsense-mediated mRNA decay; p.(Ile1859Lysfs*3)(PVS1, PM5_PTC_Strong). This variant is found in 3/ 230376 in the gnomAD v2.1.1 database, exome non-cancer data set. This variant has been reported in the ClinVar database (36x pathogenic, 1x likely pathogenic) and LOVD (41x pathogenic, 1x uncertain significance, 2x not classified) and classified as a pathogenic variant in BRCA Exchange database (“Variant allele predicted to encode a truncated non-functional protein”). Based on currently available information, the variant c.5576_5579del is classified as a pathogenic variant according to ClinGen-BRCA1 and BRCA2 Guidelines version 1.0.0.

Blueprint Genetics
Classification: Pathogenic for BRCA2-related disorders. Last evaluated: 2024-11-05. Review status: criteria provided, single submitter. Criteria: ACMG Guidelines, 2015. Collection method: clinical testing. Allele origin: germline. Affected: yes. Observed: 5 variant alleles. Not counted in ClinVar's aggregate classification.

All of Us Research Program, National Institutes of Health
Classification: Pathogenic for BRCA2-related cancer predisposition. Last evaluated: 2024-09-13. Review status: criteria provided, single submitter. Criteria: ACMG Guidelines, 2015. Collection method: clinical testing. Allele origin: germline. Inheritance: Autosomal dominant inheritance. Observed: 10 variant alleles, 10 heterozygotes. Not counted in ClinVar's aggregate classification.
Comment: This variant deletes 4 nucleotides in exon 11 of the BRCA2 gene, creating a frameshift and premature translation stop signal. This variant is also known as 5802delTTAA, 5803delATTA, 5804_5808delTTAA, 5804del4 and c.5574_5577delAATT in the literature. This variant is expected to result in unstable variant messenger RNA, which is corroborated by an RNA analysis of allelic imbalance in expressed BRCA2 mRNA transcripts in a heterozygous variant carrier (PMID: 19471317). This variant has been reported in over 30 individuals affected with breast and ovarian cancer (PMID: 8705994, 11149425, 17262179, 20104584, 21233401, 22160602, 22713736, 22798144, 23479189, 23633455, 23683081, 24249303, 24578176, 24728189, 26848529). A Japanese breast cancer case-control study (PMID: 30287823) and a breast cancer case-control meta-analysis (PMID: 33471991; Leiden Open Variation Database DB-ID BRCA2_001464) have reported this variant in 27/7104 cases and 3/23731 unaffected controls and 16/60450 cases and 7/53454 unaffected controls, respectively. This variant also has been reported in a prostate cancer case-control study in 11/7636 prostate cancer cases and 2/12366 unaffected controls (PMID: 31214711). This variant has been identified in 4/244832 chromosomes in the general population by the Genome Aggregation Database (gnomAD). Loss of BRCA2 function is a known mechanism of disease. Based on the available evidence, this variant is classified as Pathogenic.

This study involves interpretation of variants in research participants for the purpose of population health screening. Participant phenotype was not available at the time of variant classification. Additional details can be found in publication PMID: 35346344, PMCID: PMC8962531

Rady Children's Institute for Genomic Medicine, Rady Children's Hospital San Diego
Classification: Pathogenic for BRCA2-related disorders. Last evaluated: 2024-04-09. Review status: criteria provided, single submitter. Criteria: ACMG Guidelines, 2015. Collection method: clinical testing. Allele origin: germline. Affected: yes. Not counted in ClinVar's aggregate classification.
Comment: This frameshifting variant in exon 11 of 28 is predicted to result in loss of normal protein function through either protein truncation or nonsense-mediated mRNA decay. Loss-of-function variation in BRCA2 is an established mechanism of disease (PMID: 20301425). This variant has been previously reported in individuals with breast and ovarian cancer (PMID: 22160602, 23633455, 27914478, 26681312). The c.5576_5579del (p.Ile1859LysfsTer3) variant is present in the heterozygous state in the gnomAD v4 population database at a frequency of 0.002% (30/1605350) and thus is presumed to be rare. Based on the available evidence, c.5576_5579del (p.Ile1859LysfsTer3) is classified as Pathogenic.

Baylor Genetics
Classification: Pathogenic for Familial cancer of breast. Last evaluated: 2024-03-25. Review status: criteria provided, single submitter. Criteria: ACMG Guidelines, 2015. Collection method: clinical testing. Allele origin: unknown. Not counted in ClinVar's aggregate classification.

Fulgent Genetics
Classification: Pathogenic for Familial cancer of breast; Medulloblastoma; Familial prostate cancer; Wilms tumor 1; Fanconi anemia complementation group D1; Breast-ovarian cancer, familial, susceptibility to, 2; Glioma susceptibility 3; Pancreatic cancer, susceptibility to, 2. Last evaluated: 2024-01-02. Review status: criteria provided, single submitter. Criteria: ACMG Guidelines, 2015. Collection method: clinical testing. Allele origin: germline. Not counted in ClinVar's aggregate classification.